The following is an entry in ClinVar:

NM_145167.3(PIGM):c.772T>A (p.Tyr258Asn)

Gene: PIGM (phosphatidylinositol glycan anchor biosynthesis class M; minus strand). Cytogenetic location: 1q23.2.
Variant type: single nucleotide variant.
Coding change: c.772T>A on transcript NM_145167.3 (MANE Select); coding-DNA position 772, T replaced by A.
Protein change: p.Tyr258Asn; replaces tyrosine 258 with asparagine.
Molecular consequence: missense variant.
Genome position (GRCh38, 1-based): chr1:160,030,968, A>T on the plus strand (T>A on the coding strand, the complement: PIGM is on the minus strand). VCF-style: chr1-160030968-A-T. GRCh37 (hg19) VCF-style: chr1-160000758-A-T.
Other names: short protein forms Y258N.
Identifiers: ClinVar variation 4805381 (VCV004805381.1).

ClinVar aggregate classification (germline): Uncertain significance (1 of 4 stars; one submission).

Conditions:
Hypercoagulability syndrome due to glycosylphosphatidylinositol deficiency (GPIBD1). Also called: GLYCOSYLPHOSPHATIDYLINOSITOL BIOSYNTHESIS DEFECT 1. Identifiers: Orphanet 83639, MedGen C5201145, MONDO:0012465, OMIM 610293.

gnomAD v4.1: 6 of 1,614,062 alleles (0.00037%); highest among the groups gnomAD compares: Non-Finnish European, 0.00051%; no homozygotes.

Submission:

Labcorp Genetics (formerly Invitae), Labcorp
Classification: Uncertain significance for Hypercoagulability syndrome due to glycosylphosphatidylinositol deficiency. Last evaluated: 2025-12-31. Review status: criteria provided, single submitter. Criteria: Invitae Variant Classification Sherloc (09022015). Collection method: clinical testing. Allele origin: germline.
Comment: This sequence change replaces tyrosine, which is neutral and polar, with asparagine, which is neutral and polar, at codon 258 of the PIGM protein (p.Tyr258Asn). This variant is present in population databases (rs748477538, gnomAD 0.002%). This variant has not been reported in the literature in individuals affected with PIGM-related conditions. Invitae Evidence Modeling of protein sequence and biophysical properties (such as structural, functional, and spatial information, amino acid conservation, physicochemical variation, residue mobility, and thermodynamic stability) indicates that this missense variant is expected to disrupt PIGM protein function with a positive predictive value of 80%. In summary, the available evidence is currently insufficient to determine the role of this variant in disease. Therefore, it has been classified as a Variant of Uncertain Significance.